The following is an entry in ClinVar:

NM_000179.3(MSH6):c.3557-10T>G

Gene: MSH6 (mutS homolog 6; plus strand). Cytogenetic location: 2p16.3.
Variant type: single nucleotide variant.
Coding change: c.3557-10T>G on transcript NM_000179.3 (MANE Select); 10 bases into the intron before coding-DNA position 3557, T replaced by G.
Molecular consequence: intron variant.
Genome position (GRCh38, 1-based): chr2:47,805,608, T>G. VCF-style: chr2-47805608-T-G. GRCh37 (hg19) VCF-style: chr2-48032747-T-G.
Other names: c.2651-10T>G (NM_001281493.2, NM_001281494.2); c.3167-10T>G (NM_001281492.2).
Identifiers: ClinVar variation 1692257 (VCV001692257.8), dbSNP rs2104521319, ClinGen allele CA2573134748.
Genomic context (GRCh38, chr2:47,805,608, plus strand): 5'-ACCTAGAAGATGAATTTATGTAATATGATTTGCAAAATGAGTATTCATTTGTGATTTTTT[T>G]TTTTTTAAGGTGAAAGTACATTTTTTGTTGAATTAAGTGAAACTGCCAGCATACTCATGC-3'

ClinVar aggregate classification (germline): Conflicting classifications of pathogenicity. Review status: criteria provided, conflicting classifications (1 of 4 stars). 3 submissions from 3 submitters: Uncertain significance (1); Likely benign (2). Last evaluated 2023-06-14.

Conditions:
Hereditary cancer-predisposing syndrome. Also called: Hereditary Cancer Syndrome; Hereditary neoplastic syndrome; Neoplastic Syndromes, Hereditary; Tumor predisposition. Identifiers: Orphanet 140162, MedGen C0027672, MeSH D009386, MONDO:0015356.
Hereditary nonpolyposis colorectal neoplasms. Identifiers: MedGen C0009405, MeSH D003123.

gnomAD v4.1: 1 of 1,598,742 alleles (0.000063%); no homozygotes.

Submissions (3):

Color Diagnostics, LLC DBA Color Health
Classification: Uncertain significance for Hereditary cancer-predisposing syndrome. Last evaluated: 2023-06-14. Review status: criteria provided, single submitter. Criteria: ACMG Guidelines, 2015. Collection method: clinical testing. Allele origin: germline.
Comment: This variant causes a T to G nucleotide substitution at the -10 position of intron 6 of the MSH6 gene. To our knowledge, functional studies have not been reported for this variant. This variant has not been reported in individuals affected with MSH6-related disorders in the literature. This variant has not been identified in the general population by the Genome Aggregation Database (gnomAD). The available evidence is insufficient to determine the role of this variant in disease conclusively. Therefore, this variant is classified as a Variant of Uncertain Significance.

Labcorp Genetics (formerly Invitae), Labcorp
Classification: Likely benign for Hereditary nonpolyposis colorectal neoplasms. Last evaluated: 2022-05-31. Review status: criteria provided, single submitter. Criteria: Invitae Variant Classification Sherloc (09022015). Collection method: clinical testing. Allele origin: germline.

Sema4
Classification: Likely benign for Hereditary cancer-predisposing syndrome. Last evaluated: 2020-11-28. Review status: criteria provided, single submitter. Criteria: Sema4 Curation Guidelines. Collection method: curation. Allele origin: germline.